The following is an entry in ClinVar:

NM_000318.3(PEX2):c.*1040C>G

Gene: PEX2 (peroxisomal biogenesis factor 2; minus strand). Cytogenetic location: 8q21.13.
Variant type: single nucleotide variant.
Coding change: c.*1040C>G on transcript NM_000318.3 (MANE Select); 1040 bases downstream of the stop codon, C replaced by G.
Molecular consequence: 3 prime UTR variant.
Genome position (GRCh38, 1-based): chr8:76,982,221, G>C on the plus strand (C>G on the coding strand, the complement: PEX2 is on the minus strand). VCF-style: chr8-76982221-G-C. GRCh37 (hg19) VCF-style: chr8-77894457-G-C.
Other names: NC_000008.10:g.77894457G>C; c.*1040C>G (NM_001079867.2, NM_001172086.2, NM_001172087.2).
Identifiers: ClinVar variation 911349 (VCV000911349.37), dbSNP rs139337482, ClinGen allele CA179988118.

ClinVar aggregate classification (germline): Benign/Likely benign. Review status: criteria provided, multiple submitters, no conflicts (2 of 4 stars). 3 submissions from 3 submitters: Benign (1); Likely benign (2). Last evaluated 2023-02-01.

Conditions:
Peroxisome biogenesis disorder 5A (Zellweger) (PBD5A). Identifiers: Orphanet 912, MedGen C3553940, MONDO:0013932, OMIM 614866.

Allele frequency attached by ClinVar (database versions not stated): TOPMed 0.00416; gnomAD 0.00490 and 0.00513; 1000 Genomes Project 30x 0.00531; 1000 Genomes Project 0.00559.

Submissions (4):

CeGaT Center for Human Genetics Tuebingen
Classification: Benign. Last evaluated: 2023-02-01. Review status: criteria provided, single submitter. Criteria: CeGaT Center For Human Genetics Tuebingen Variant Classification Criteria Version 2. Collection method: clinical testing. Allele origin: germline. Affected: yes. Observed: 4 variant alleles.
Comment: PEX2: BS1, BS2

Illumina Laboratory Services, Illumina
Classification: Likely benign for Peroxisome biogenesis disorder 5A (Zellweger). Last evaluated: 2018-01-13. Review status: criteria provided, single submitter. Criteria: ICSL Variant Classification Criteria 13 December 2019. Collection method: clinical testing. Allele origin: germline.
Comment: This variant was observed in the ICSL laboratory as part of a predisposition screen in an ostensibly healthy population. It had not been previously curated by ICSL or reported in the Human Gene Mutation Database (HGMD: prior to June 1st, 2018), and was therefore a candidate for classification through an automated scoring system. Utilizing variant allele frequency, disease prevalence and penetrance estimates, and inheritance mode, an automated score was calculated to assess if this variant is too frequent to cause the disease. Based on the score and internal cut-off values, a variant classified as likely benign is not then subjected to further curation. The score for this variant resulted in a classification of likely benign for this disease.

Breakthrough Genomics
Classification: Likely benign. Review status: criteria provided, single submitter. Criteria: ACMG Guidelines, 2015. Collection method: not provided. Allele origin: germline. Inheritance: Autosomal recessive inheritance. Affected: yes.

Dr. Peter K. Rogan Lab, Western University
No classification provided (evidence only). Condition: Ovarian serous cystadenocarcinoma. Review status: no classification provided. Collection method: in vitro. Allele origin: not applicable. Functional consequence: retained intron. Not counted in ClinVar's aggregate classification.